The following is an entry in ClinVar:

ClinVar aggregate classification (germline): Uncertain significance (1 of 4 stars; one submission).

Submission:

Labcorp Genetics (formerly Invitae), Labcorp
Classification: Uncertain significance. Last evaluated: 2025-02-26. Review status: criteria provided, single submitter. Criteria: Invitae Variant Classification Sherloc (09022015). Collection method: clinical testing. Allele origin: germline.
Comment: This variant, c.36_38dup, results in the insertion of 1 amino acid(s) of the TGFB1 protein (p.Leu13dup), but otherwise preserves the integrity of the reading frame. This variant is not present in population databases (gnomAD no frequency). This variant has not been reported in the literature in individuals affected with TGFB1-related conditions. In summary, the available evidence is currently insufficient to determine the role of this variant in disease. Therefore, it has been classified as a Variant of Uncertain Significance.

NM_000660.7(TGFB1):c.30GCT[4] (p.Leu13_Pro14insLeu)

Gene: TGFB1 (transforming growth factor beta 1; minus strand). Cytogenetic location: 19q13.2.
Variant type: Microsatellite.
Coding change: c.30GCT[4] on transcript NM_000660.7 (MANE Select); four copies in a row of the 3-base unit GCT starting at c.30; the reference has three copies in a row; one copy, 3 bases duplicated.
Protein change: p.Leu13_Pro14insLeu.
Molecular consequence: inframe insertion.
Genome position (GRCh38, 1-based): chr19:41,353,007-41,353,009, AGC duplicated on the plus strand (GCT on the coding strand, the reverse complement: TGFB1 is on the minus strand); duplicating any 3 consecutive bases within chr19:41,353,007-41,353,015 gives the same sequence; the position shown is the placement nearest the transcript's 3' end. VCF-style (leftmost placement, unchanged base first): chr19-41353006-T-TAGC. GRCh37 (hg19) VCF-style: chr19-41858911-T-TAGC.
Identifiers: ClinVar variation 1914948 (VCV001914948.5), dbSNP rs281865483, ClinGen allele CA2336426217.